The following is an entry in ClinVar:

ClinVar aggregate classification (germline): Benign (1 of 4 stars; one submission).

Submission:

CeGaT Center for Human Genetics Tuebingen
Classification: Benign. Last evaluated: 2022-07-01. Review status: criteria provided, single submitter. Criteria: CeGaT Center For Human Genetics Tuebingen Variant Classification Criteria Version 2. Collection method: clinical testing. Allele origin: germline. Affected: yes. Observed: 1 variant allele.
Comment: NIPBL: BS1, BS2

NM_133433.4(NIPBL):c.-79-1599TG[17]

Gene: NIPBL (NIPBL cohesin loading factor; plus strand). Cytogenetic location: 5p13.2.
Variant type: Microsatellite.
Coding change: c.-79-1599TG[17] on transcript NM_133433.4 (MANE Select); 17 copies in a row of the 2-base unit TG starting at c.-79-1599; the reference has 18 copies in a row; one copy, 2 bases deleted.
Molecular consequence: intron variant.
Genome position (GRCh38, 1-based): chr5:36,952,053-36,952,054, TG deleted; deleting any 2 consecutive bases within chr5:36,952,019-36,952,054 gives the same sequence; the position shown is the placement nearest the transcript's 3' end. VCF-style (leftmost placement, unchanged base first): chr5-36952018-CTG-C. GRCh37 (hg19) VCF-style: chr5-36952120-CTG-C.
Other names: c.-79-1599TG[17] (NM_015384.5).
Identifiers: ClinVar variation 2655412 (VCV002655412.24), dbSNP rs60067315, ClinGen allele CA810290856.